The following is an entry in ClinVar:

ClinVar aggregate classification (germline): Likely pathogenic. Review status: criteria provided, multiple submitters, no conflicts (2 of 4 stars). 2 submissions from 2 submitters: Likely pathogenic (2). Last evaluated 2024-10-16.

Allele frequency attached by ClinVar (database versions not stated): gnomAD exomes 0.00001; TOPMed 0.00001; ExAC 0.00002.

Submissions (2):

Labcorp Genetics (formerly Invitae), Labcorp
Classification: Likely pathogenic. Last evaluated: 2024-10-16. Review status: criteria provided, single submitter. Criteria: Invitae Variant Classification Sherloc (09022015). Collection method: clinical testing. Allele origin: germline.
Comment: This sequence change affects a donor splice site in intron 16 of the LTBP2 gene. It is expected to disrupt RNA splicing. Variants that disrupt the donor or acceptor splice site typically lead to a loss of protein function (PMID: 16199547), and loss-of-function variants in LTBP2 are known to be pathogenic (PMID: 19361779, 19656777, 22025892). This variant is present in population databases (rs756727211, gnomAD 0.002%). This variant has not been reported in the literature in individuals affected with LTBP2-related conditions. ClinVar contains an entry for this variant (Variation ID: 861190). Algorithms developed to predict the effect of sequence changes on RNA splicing suggest that this variant may disrupt the consensus splice site. In summary, the currently available evidence indicates that the variant is pathogenic, but additional data are needed to prove that conclusively. Therefore, this variant has been classified as Likely Pathogenic.

AiLife Diagnostics
Classification: Likely pathogenic. Last evaluated: 2022-01-26. Review status: criteria provided, single submitter. Criteria: ACMG Guidelines, 2015. Collection method: clinical testing. Allele origin: germline. Affected: yes. Observed: 1 variant allele.

Literature cited by the submitters: PubMed 16199547 (cited by Labcorp Genetics (formerly Invitae), Labcorp); PubMed 19361779 (cited by Labcorp Genetics (formerly Invitae), Labcorp); PubMed 19656777 (cited by Labcorp Genetics (formerly Invitae), Labcorp); PubMed 22025892 (cited by Labcorp Genetics (formerly Invitae), Labcorp).

NM_000428.3(LTBP2):c.2659+2T>C

Gene: LTBP2 (latent transforming growth factor beta binding protein 2; minus strand). Cytogenetic location: 14q24.3.
Variant type: single nucleotide variant.
Coding change: c.2659+2T>C on transcript NM_000428.3 (MANE Select); the canonical splice donor site of the intron after coding-DNA position 2659, T replaced by C.
Molecular consequence: splice donor variant.
Genome position (GRCh38, 1-based): chr14:74,522,788, A>G on the plus strand (T>C on the coding strand, the complement: LTBP2 is on the minus strand). VCF-style: chr14-74522788-A-G. GRCh37 (hg19) VCF-style: chr14-74989491-A-G.
Identifiers: ClinVar variation 861190 (VCV000861190.9), dbSNP rs756727211, ClinGen allele CA7269437.